The following is an entry in ClinVar:

NM_001384609.1(SLITRK5):c.2209G>T (p.Ala737Ser)

Gene: SLITRK5 (SLIT and NTRK like family member 5; plus strand). Cytogenetic location: 13q31.2.
Variant type: single nucleotide variant.
Coding change: c.2209G>T on transcript NM_001384609.1 (MANE Select); coding-DNA position 2209, G replaced by T.
Protein change: p.Ala737Ser; replaces alanine 737 with serine.
Molecular consequence: missense variant.
Genome position (GRCh38, 1-based): chr13:87,677,597, G>T. VCF-style: chr13-87677597-G-T. GRCh37 (hg19) VCF-style: chr13-88329852-G-T.
Other names: c.2209G>T, p.Ala737Ser (NM_001384610.1, NM_015567.2); short protein forms A737S.
Identifiers: ClinVar variation 3047199 (VCV003047199.2), dbSNP rs146909008, ClinGen allele CA7015824.

ClinVar aggregate classification (germline): Likely benign (0 of 4 stars; one submission).

Conditions:
SLITRK5-related disorder. Also called: SLITRK5-related condition.

Allele frequency attached by ClinVar (database versions not stated): 1000 Genomes Project 0.00060; 1000 Genomes Project 30x 0.00078; ESP Exome Variant Server 0.00123; TOPMed 0.00187.
gnomAD v4.1: 434 of 1,609,656 alleles (0.027%); highest among the groups gnomAD compares: African/African-American, 0.5%; 1 homozygote.

Submission:

PreventionGenetics, part of Exact Sciences
Classification: Likely benign for SLITRK5-related condition. Last evaluated: 2022-04-11. Review status: no assertion criteria provided. Collection method: clinical testing. Allele origin: germline.
Comment: This variant is classified as likely benign based on ACMG/AMP sequence variant interpretation guidelines (Richards et al. 2015 PMID: 25741868, with internal and published modifications).